The following is an entry in ClinVar:

NM_001130438.3(SPTAN1):c.3061G>A (p.Val1021Met)

Gene: SPTAN1 (spectrin alpha, non-erythrocytic 1; plus strand). Cytogenetic location: 9q34.11.
Variant type: single nucleotide variant.
Coding change: c.3061G>A on transcript NM_001130438.3 (MANE Select); coding-DNA position 3061, G replaced by A.
Protein change: p.Val1021Met; replaces valine 1021 with methionine.
Molecular consequence: missense variant.
Genome position (GRCh38, 1-based): chr9:128,591,531, G>A. VCF-style: chr9-128591531-G-A. GRCh37 (hg19) VCF-style: chr9-131353810-G-A.
Other names: c.3061G>A, p.Val1021Met (NM_001195532.2, NM_001363759.2, NM_001363765.2 and 5 more transcripts); c.3097G>A, p.Val1033Met (NM_001375312.2, NM_001375318.1); short protein forms V1021M, V1033M.
Identifiers: ClinVar variation 3628452 (VCV003628452.2).

ClinVar aggregate classification (germline): Uncertain significance (1 of 4 stars; one submission).

Conditions:
Early-infantile DEE. Also called: Early infantile epileptic encephalopathy with suppression bursts; Early infantile epileptic encephalopathy; Ohtahara syndrome. Identifiers: Orphanet 1934, MedGen C0393706, MONDO:0800491.

gnomAD v4.1: 11 of 1,614,052 alleles (0.00068%); highest among the groups gnomAD compares: South Asian, 0.0044%; no homozygotes.

Submission:

Labcorp Genetics (formerly Invitae), Labcorp
Classification: Uncertain significance for Early-infantile DEE. Last evaluated: 2024-06-25. Review status: criteria provided, single submitter. Criteria: Invitae Variant Classification Sherloc (09022015). Collection method: clinical testing. Allele origin: germline.
Comment: This sequence change replaces valine, which is neutral and non-polar, with methionine, which is neutral and non-polar, at codon 1021 of the SPTAN1 protein (p.Val1021Met). This variant is present in population databases (rs756893011, gnomAD 0.01%). This variant has not been reported in the literature in individuals affected with SPTAN1-related conditions. Advanced modeling of protein sequence and biophysical properties (such as structural, functional, and spatial information, amino acid conservation, physicochemical variation, residue mobility, and thermodynamic stability) has been performed at Invitae for this missense variant, however the output from this modeling did not meet the statistical confidence thresholds required to predict the impact of this variant on SPTAN1 protein function. In summary, the available evidence is currently insufficient to determine the role of this variant in disease. Therefore, it has been classified as a Variant of Uncertain Significance.